The following is an entry in ClinVar:

NM_031892.3(SH3KBP1):c.235A>T (p.Ser79Cys)

Gene: SH3KBP1 (SH3 domain containing kinase binding protein 1; minus strand). Cytogenetic location: Xp22.12.
Variant type: single nucleotide variant.
Coding change: c.235A>T on transcript NM_031892.3 (MANE Select); coding-DNA position 235, A replaced by T.
Protein change: p.Ser79Cys; replaces serine 79 with cysteine.
Molecular consequence: missense variant.
Genome position (GRCh38, 1-based): chrX:19,746,369, T>A on the plus strand (A>T on the coding strand, the complement: SH3KBP1 is on the minus strand). VCF-style: chrX-19746369-T-A. GRCh37 (hg19) VCF-style: chrX-19764487-T-A.
Other names: c.124A>T, p.Ser42Cys (NM_001024666.3); c.235A>T, p.Ser79Cys (NM_001353890.2, NM_001353891.2, NM_001353892.2 and 2 more transcripts); c.58A>T, p.Ser20Cys (NM_001353893.2, NM_001353894.2, NM_001353895.2 and 1 more transcripts); short protein forms S20C, S79C, S42C.
Identifiers: ClinVar variation 2696886 (VCV002696886.3), dbSNP rs1569453698, ClinGen allele CA412496524.

ClinVar aggregate classification (germline): Uncertain significance (1 of 4 stars; one submission).

Submission:

Labcorp Genetics (formerly Invitae), Labcorp
Classification: Uncertain significance. Last evaluated: 2023-11-17. Review status: criteria provided, single submitter. Criteria: Invitae Variant Classification Sherloc (09022015). Collection method: clinical testing. Allele origin: germline.
Comment: This sequence change replaces serine, which is neutral and polar, with cysteine, which is neutral and slightly polar, at codon 79 of the SH3KBP1 protein (p.Ser79Cys). This variant is not present in population databases (gnomAD no frequency). This variant has not been reported in the literature in individuals affected with SH3KBP1-related conditions. Advanced modeling of protein sequence and biophysical properties (such as structural, functional, and spatial information, amino acid conservation, physicochemical variation, residue mobility, and thermodynamic stability) performed at Invitae indicates that this missense variant is not expected to disrupt SH3KBP1 protein function with a negative predictive value of 80%. In summary, the available evidence is currently insufficient to determine the role of this variant in disease. Therefore, it has been classified as a Variant of Uncertain Significance.